The following is an entry in ClinVar:

ClinVar aggregate classification (germline): Uncertain significance (1 of 4 stars; one submission).

Conditions:
MAN2B1-related disorder. Also called: MAN2B1-related condition.

gnomAD v4.1: 45 of 1,613,226 alleles (0.0028%); highest among the groups gnomAD compares: Non-Finnish European, 0.0036%; no homozygotes.

Submission:

PreventionGenetics, part of Exact Sciences
Classification: Uncertain significance for MAN2B1-related condition. Last evaluated: 2025-03-14. Review status: criteria provided, single submitter. Criteria: ACMG Guidelines, 2015. Collection method: clinical testing. Allele origin: germline.
Comment: The MAN2B1 c.1291G>A variant is predicted to result in the amino acid substitution p.Gly431Arg. To our knowledge, this variant has not been reported in the literature. This variant is reported in 0.0018% of alleles in individuals of European (Non-Finnish) descent in gnomAD. At this time, the clinical significance of this variant is uncertain due to the absence of conclusive functional and genetic evidence.

NM_000528.4(MAN2B1):c.1291G>A (p.Gly431Arg)

Gene: MAN2B1 (mannosidase alpha class 2B member 1; minus strand). Cytogenetic location: 19p13.13.
Variant type: single nucleotide variant.
Coding change: c.1291G>A on transcript NM_000528.4 (MANE Select); coding-DNA position 1291, G replaced by A.
Protein change: p.Gly431Arg; replaces glycine 431 with arginine.
Molecular consequence: missense variant.
Genome position (GRCh38, 1-based): chr19:12,658,081, C>T on the plus strand (G>A on the coding strand, the complement: MAN2B1 is on the minus strand). VCF-style: chr19-12658081-C-T. GRCh37 (hg19) VCF-style: chr19-12768895-C-T.
Other names: c.1288G>A, p.Gly430Arg (NM_001173498.2); c.1294G>A, p.Gly432Arg (NM_001440570.1); short protein forms G431R, G432R, G430R.
Identifiers: ClinVar variation 4977634 (VCV004977634.1).
Genomic context (GRCh38, chr19:12,658,081, plus strand): 5'-CTTCAGCCGCAAACCTCTTCCCCTCTTGGGCCCGACACTTACTGAGGGGTGCACTGTCTC[C>T]GGAGCCATAGGGTCCCACGTTGGCCGCCAGGCCCACCAGCGCCTCCAGCTGGTTGCACAC-3'
Protein context (NP_000519.2, residues 421-441): LAANVGPYGS[Gly431Arg]DSAPLNEAMA